The following is an entry in ClinVar:

NM_000245.4(MET):c.2692A>G (p.Asn898Asp)

Gene: MET (MET proto-oncogene, receptor tyrosine kinase; plus strand). Cytogenetic location: 7q31.2.
Variant type: single nucleotide variant.
Coding change: c.2692A>G on transcript NM_000245.4 (MANE Select); coding-DNA position 2692, A replaced by G.
Protein change: p.Asn898Asp; replaces asparagine 898 with aspartic acid.
Molecular consequence: missense variant.
Genome position (GRCh38, 1-based): chr7:116,769,753, A>G. VCF-style: chr7-116769753-A-G. GRCh37 (hg19) VCF-style: chr7-116409807-A-G.
Other names: c.2746A>G, p.Asn916Asp (NM_001127500.3); c.2692A>G, p.Asn898Asp (NM_001324401.3); c.1402A>G, p.Asn468Asp (NM_001324402.2); short protein forms N898D, N916D, N468D.
Identifiers: ClinVar variation 4053897 (VCV004053897.2).
Genomic context (GRCh38, chr7:116,769,753, plus strand): 5'-GGAAATAAGAGCTGTGAGAATATACACTTACATTCTGAAGCCGTTTTATGCACGGTCCCC[A>G]ATGACCTGCTGAAATTGAACAGCGAGCTAAATATAGAGGTGGGATTCCTGCATTCCTCTC-3'
Protein context (NP_000236.2, residues 888-908): HSEAVLCTVP[Asn898Asp]DLLKLNSELN

ClinVar aggregate classification (germline): Uncertain significance. Review status: criteria provided, multiple submitters, no conflicts (2 of 4 stars). 2 submissions from 2 submitters: Uncertain significance (2). Last evaluated 2025-05-02.

Conditions:
Hereditary cancer-predisposing syndrome. Also called: Neoplastic Syndromes, Hereditary; Tumor predisposition; Hereditary neoplastic syndrome; Hereditary Cancer Syndrome. Identifiers: Orphanet 140162, MedGen C0027672, MeSH D009386, MONDO:0015356.
Renal cell carcinoma. Identifiers: Orphanet 217071, MedGen C0007134, MeSH D002292, MONDO:0005086, HP:0005584.

Submissions (2):

Ambry Genetics
Classification: Uncertain significance for Hereditary cancer-predisposing syndrome. Last evaluated: 2025-05-02. Review status: criteria provided, single submitter. Criteria: Ambry Variant Classification Scheme 2023. Collection method: clinical testing. Allele origin: germline.
Comment: The p.N916D variant (also known as c.2746A>G), located in coding exon 11 of the MET gene, results from an A to G substitution at nucleotide position 2746. The asparagine at codon 916 is replaced by aspartic acid, an amino acid with highly similar properties. This amino acid position is conserved. In addition, this alteration is predicted to be tolerated by in silico analysis. Based on the available evidence, the clinical significance of this variant remains unclear.

Labcorp Genetics (formerly Invitae), Labcorp
Classification: Uncertain significance for Renal cell carcinoma. Last evaluated: 2025-02-26. Review status: criteria provided, single submitter. Criteria: Invitae Variant Classification Sherloc (09022015). Collection method: clinical testing. Allele origin: germline.
Comment: This sequence change replaces asparagine, which is neutral and polar, with aspartic acid, which is acidic and polar, at codon 916 of the MET protein (p.Asn916Asp). This variant is not present in population databases (gnomAD no frequency). This variant has not been reported in the literature in individuals affected with MET-related conditions. Invitae Evidence Modeling of protein sequence and biophysical properties (such as structural, functional, and spatial information, amino acid conservation, physicochemical variation, residue mobility, and thermodynamic stability) indicates that this missense variant is not expected to disrupt MET protein function with a negative predictive value of 80%. In summary, the available evidence is currently insufficient to determine the role of this variant in disease. Therefore, it has been classified as a Variant of Uncertain Significance.